The following is an entry in ClinVar:

ClinVar aggregate classification (germline): Uncertain significance. Review status: criteria provided, multiple submitters, no conflicts (2 of 4 stars). 2 submissions from 2 submitters: Uncertain significance (2). Last evaluated 2024-09-10.

Conditions:
Inborn genetic diseases. Identifiers: MedGen C0950123, MeSH D030342.

Allele frequency attached by ClinVar (database versions not stated): ExAC 0.00001; gnomAD 0.00001; TOPMed 0.00001; gnomAD exomes 0.00004.
gnomAD v4.1: 72 of 1,613,826 alleles (0.0045%); highest among the groups gnomAD compares: Non-Finnish European, 0.0049%; no homozygotes.

Submissions (2):

Ambry Genetics
Classification: Uncertain significance for Inborn genetic diseases. Last evaluated: 2024-09-10. Review status: criteria provided, single submitter. Criteria: Ambry Variant Classification Scheme 2023. Collection method: clinical testing. Allele origin: germline.

GeneDx
Classification: Uncertain significance. Last evaluated: 2023-01-10. Review status: criteria provided, single submitter. Criteria: GeneDx Variant Classification Process June 2021. Collection method: clinical testing. Allele origin: germline. Affected: yes.
Comment: Not observed at significant frequency in large population cohorts (gnomAD); In silico analysis supports that this missense variant has a deleterious effect on protein structure/function; Has not been previously published as pathogenic or benign to our knowledge

NM_003466.4(PAX8):c.962C>A (p.Pro321His)

Gene: PAX8 (paired box 8; minus strand). Cytogenetic location: 2q14.1.
Variant type: single nucleotide variant.
Coding change: c.962C>A on transcript NM_003466.4 (MANE Select); coding-DNA position 962, C replaced by A.
Protein change: p.Pro321His; replaces proline 321 with histidine.
Molecular consequence: missense variant. On other transcripts: intron variant (3).
Genome position (GRCh38, 1-based): chr2:113,235,519, G>T on the plus strand (C>A on the coding strand, the complement: PAX8 is on the minus strand). VCF-style: chr2-113235519-G-T. GRCh37 (hg19) VCF-style: chr2-113993096-G-T.
Other names: c.777+6032C>A (NM_013992.4, NM_013953.4); c.899-16C>A (NM_013952.4); short protein forms P321H.
Identifiers: ClinVar variation 2574345 (VCV002574345.2), dbSNP rs750730160, ClinGen allele CA1840009.